The following is an entry in ClinVar:

NM_002439.5(MSH3):c.568A>G (p.Ile190Val)

Gene: MSH3 (mutS homolog 3; plus strand). Cytogenetic location: 5q14.1.
Variant type: single nucleotide variant.
Coding change: c.568A>G on transcript NM_002439.5 (MANE Select); coding-DNA position 568, A replaced by G.
Protein change: p.Ile190Val; replaces isoleucine 190 with valine.
Molecular consequence: missense variant.
Genome position (GRCh38, 1-based): chr5:80,665,352, A>G. VCF-style: chr5-80665352-A-G. GRCh37 (hg19) VCF-style: chr5-79961171-A-G.
Other names: short protein forms I190V.
Identifiers: ClinVar variation 1057710 (VCV001057710.12), dbSNP rs2112808987, ClinGen allele CA360264585.

ClinVar aggregate classification (germline): Uncertain significance. Review status: criteria provided, multiple submitters, no conflicts (2 of 4 stars). 2 submissions from 2 submitters: Uncertain significance (2). Last evaluated 2022-04-15.

Conditions:
Hereditary cancer-predisposing syndrome. Also called: Hereditary Cancer Syndrome; Tumor predisposition; Hereditary neoplastic syndrome; Neoplastic Syndromes, Hereditary. Identifiers: Orphanet 140162, MedGen C0027672, MeSH D009386, MONDO:0015356.

Submissions (2):

Labcorp Genetics (formerly Invitae), Labcorp
Classification: Uncertain significance. Last evaluated: 2022-04-15. Review status: criteria provided, single submitter. Criteria: Invitae Variant Classification Sherloc (09022015). Collection method: clinical testing. Allele origin: germline.
Comment: In summary, the available evidence is currently insufficient to determine the role of this variant in disease. Therefore, it has been classified as a Variant of Uncertain Significance. Algorithms developed to predict the effect of missense changes on protein structure and function output the following: SIFT: "Tolerated"; PolyPhen-2: "Benign"; Align-GVGD: "Class C0". The valine amino acid residue is found in multiple mammalian species, which suggests that this missense change does not adversely affect protein function. ClinVar contains an entry for this variant (Variation ID: 1057710). This variant has not been reported in the literature in individuals affected with MSH3-related conditions. This variant is not present in population databases (gnomAD no frequency). This sequence change replaces isoleucine, which is neutral and non-polar, with valine, which is neutral and non-polar, at codon 190 of the MSH3 protein (p.Ile190Val).

Ambry Genetics
Classification: Uncertain significance for Hereditary cancer-predisposing syndrome. Last evaluated: 2022-01-12. Review status: criteria provided, single submitter. Criteria: Ambry Variant Classification Scheme 2023. Collection method: clinical testing. Allele origin: germline.
Comment: The p.I190V variant (also known as c.568A>G), located in coding exon 3 of the MSH3 gene, results from an A to G substitution at nucleotide position 568. The isoleucine at codon 190 is replaced by valine, an amino acid with highly similar properties. This amino acid position is conserved. In addition, this alteration is predicted to be tolerated by in silico analysis. Since supporting evidence is limited at this time, the clinical significance of this alteration remains unclear.